The following is an entry in ClinVar:

ClinVar aggregate classification (germline): Likely benign (1 of 4 stars; one submission).

Conditions:
Holoprosencephaly 11 (HPE11). Identifiers: Orphanet 2162, MedGen C3280215, MONDO:0013642, OMIM 614226.

Allele frequency attached by ClinVar (database versions not stated): TOPMed 0.00001; gnomAD 0.00005 and 0.00001; ExAC 0.00002; 1000 Genomes Project 30x 0.00062; gnomAD exomes 0.00002; 1000 Genomes Project 0.00040.
gnomAD v4.1: 39 of 1,614,082 alleles (0.0024%); highest among the groups gnomAD compares: South Asian, 0.021%; no homozygotes.

Submission:

Illumina Laboratory Services, Illumina
Classification: Likely benign for Holoprosencephaly 11. Last evaluated: 2018-01-13. Review status: criteria provided, single submitter. Criteria: ICSL Variant Classification Criteria 13 December 2019. Collection method: clinical testing. Allele origin: germline.
Comment: This variant was observed in the ICSL laboratory as part of a predisposition screen in an ostensibly healthy population. It had not been previously curated by ICSL or reported in the Human Gene Mutation Database (HGMD: prior to June 1st, 2018), and was therefore a candidate for classification through an automated scoring system. Utilizing variant allele frequency, disease prevalence and penetrance estimates, and inheritance mode, an automated score was calculated to assess if this variant is too frequent to cause the disease. Based on the score and internal cut-off values, a variant classified as likely benign is not then subjected to further curation. The score for this variant resulted in a classification of likely benign for this disease.

NM_001378964.1(CDON):c.1665G>A (p.Pro555=)

Gene: CDON (cell adhesion associated, oncogene regulated; minus strand). Cytogenetic location: 11q24.2.
Variant type: single nucleotide variant.
Coding change: c.1665G>A on transcript NM_001378964.1 (MANE Select); coding-DNA position 1665, G replaced by A.
Protein change: p.Pro555=; no amino-acid change (proline 555 retained).
Molecular consequence: synonymous variant.
Genome position (GRCh38, 1-based): chr11:126,005,945, C>T on the plus strand (G>A on the coding strand, the complement: CDON is on the minus strand). VCF-style: chr11-126005945-C-T. GRCh37 (hg19) VCF-style: chr11-125875840-C-T.
Other names: c.1665G>A, p.Pro555= (NM_001243597.3, NM_016952.6).
Identifiers: ClinVar variation 303514 (VCV000303514.5), dbSNP rs537471531, ClinGen allele CA6351977.